The following is an entry in ClinVar:

NM_005502.4(ABCA1):c.4381C>T (p.Pro1461Ser)

Gene: ABCA1 (ATP binding cassette subfamily A member 1; minus strand). Cytogenetic location: 9q31.1.
Variant type: single nucleotide variant.
Coding change: c.4381C>T on transcript NM_005502.4 (MANE Select); coding-DNA position 4381, C replaced by T.
Protein change: p.Pro1461Ser; replaces proline 1461 with serine.
Molecular consequence: missense variant.
Genome position (GRCh38, 1-based): chr9:104,806,324, G>A on the plus strand (C>T on the coding strand, the complement: ABCA1 is on the minus strand). VCF-style: chr9-104806324-G-A. GRCh37 (hg19) VCF-style: chr9-107568605-G-A.
Other names: p.Pro1461Ser; short protein forms P1461S.
Identifiers: ClinVar variation 1740168 (VCV001740168.6), dbSNP rs1226096634, ClinGen allele CA374315624.

ClinVar aggregate classification (germline): Uncertain significance. Review status: criteria provided, multiple submitters, no conflicts (2 of 4 stars). 3 submissions from 3 submitters: Uncertain significance (3). Last evaluated 2022-06-30.

Conditions:
Cardiovascular phenotype. Identifiers: MedGen CN230736.

Allele frequency attached by ClinVar (database versions not stated): TOPMed below 0.00001; gnomAD 0.00001; gnomAD exomes 0.00002.
gnomAD v4.1: 27 of 1,614,056 alleles (0.0017%); highest among the groups gnomAD compares: Non-Finnish European, 0.0023%; no homozygotes.

Submissions (3):

Labcorp Genetics (formerly Invitae), Labcorp
Classification: Uncertain significance. Last evaluated: 2022-06-30. Review status: criteria provided, single submitter. Criteria: Invitae Variant Classification Sherloc (09022015). Collection method: clinical testing. Allele origin: germline.
Comment: In summary, the available evidence is currently insufficient to determine the role of this variant in disease. Therefore, it has been classified as a Variant of Uncertain Significance. Advanced modeling of protein sequence and biophysical properties (such as structural, functional, and spatial information, amino acid conservation, physicochemical variation, residue mobility, and thermodynamic stability) performed at Invitae indicates that this missense variant is expected to disrupt ABCA1 protein function. This variant has not been reported in the literature in individuals affected with ABCA1-related conditions. This variant is present in population databases (no rsID available, gnomAD 0.0009%). This sequence change replaces proline, which is neutral and non-polar, with serine, which is neutral and polar, at codon 1461 of the ABCA1 protein (p.Pro1461Ser).

Mayo Clinic Laboratories, Mayo Clinic
Classification: Uncertain significance. Last evaluated: 2022-03-22. Review status: criteria provided, single submitter. Criteria: ACMG Guidelines, 2015. Collection method: clinical testing. Allele origin: germline. Observed: 1 variant allele.
Comment: PM2

Ambry Genetics
Classification: Uncertain significance for Cardiovascular phenotype. Last evaluated: 2021-07-27. Review status: criteria provided, single submitter. Criteria: Ambry Variant Classification Scheme 2023. Collection method: clinical testing. Allele origin: germline.
Comment: The p.P1461S variant (also known as c.4381C>T), located in coding exon 30 of the ABCA1 gene, results from a C to T substitution at nucleotide position 4381. The proline at codon 1461 is replaced by serine, an amino acid with similar properties. This amino acid position is conserved. In addition, this alteration is predicted to be deleterious by in silico analysis. Since supporting evidence is limited at this time, the clinical significance of this alteration remains unclear.